The following is an entry in ClinVar:

ClinVar aggregate classification (germline): Uncertain significance (1 of 4 stars; one submission).

Conditions:
SCAPER-related disorder. Also called: SCAPER-related condition.

gnomAD v4.1: 9 of 1,603,876 alleles (0.00056%); highest among the groups gnomAD compares: Non-Finnish European, 0.00076%; no homozygotes.

Submission:

PreventionGenetics, part of Exact Sciences
Classification: Uncertain significance for SCAPER-related condition. Last evaluated: 2025-09-09. Review status: criteria provided, single submitter. Criteria: ACMG Guidelines, 2015. Collection method: clinical testing. Allele origin: germline.
Comment: The SCAPER c.3889G>A variant is predicted to result in the amino acid substitution p.Gly1297Ser. To our knowledge, this variant has not been reported in the literature or in a large population database (gnomAD), indicating this variant is rare. At this time, the clinical significance of this variant is uncertain due to the absence of conclusive functional and genetic evidence.

NM_020843.4(SCAPER):c.3871G>A (p.Gly1291Ser)

Gene: SCAPER (S-phase cyclin A associated protein in the ER; minus strand). Cytogenetic location: 15q24.3.
Variant type: single nucleotide variant.
Coding change: c.3871G>A on transcript NM_020843.4 (MANE Select); coding-DNA position 3871, G replaced by A.
Protein change: p.Gly1291Ser; replaces glycine 1291 with serine.
Molecular consequence: missense variant. On other transcripts: non-coding transcript variant (1).
Genome position (GRCh38, 1-based): chr15:76,354,125, C>T on the plus strand (G>A on the coding strand, the complement: SCAPER is on the minus strand). VCF-style: chr15-76354125-C-T. GRCh37 (hg19) VCF-style: chr15-76646466-C-T.
Other names: c.3133G>A, p.Gly1045Ser (NM_001145923.2); c.3889G>A, p.Gly1297Ser (NM_001353009.2); c.3469G>A, p.Gly1157Ser (NM_001353010.2, NM_001353012.2); c.3487G>A, p.Gly1163Ser (NM_001353011.2); short protein forms G1157S, G1297S, G1163S, G1045S, G1291S.
Identifiers: ClinVar variation 4977060 (VCV004977060.1).
Genomic context (GRCh38, chr15:76,354,125, plus strand): 5'-GGTCACTGAAATACTGGAAGGGCAACTGGCAGAGCTTCTGCAGCACTGTGGGGTGGCGGC[C>T]GGACTGCACGATCACCTGAAATGGAAGAGCAGCCCAGGTCAGCTGCCGAAACGCCCCAGC-3'
Protein context (NP_065894.2, residues 1281-1301): HPDNQVIVQS[Gly1291Ser]RHPTVLQKLC